The following is an entry in ClinVar:

ClinVar aggregate classification (germline): Uncertain significance. Review status: criteria provided, multiple submitters, no conflicts (2 of 4 stars). 2 submissions from 2 submitters: Uncertain significance (2). Last evaluated 2022-03-01.

Conditions:
Inborn genetic diseases. Identifiers: MedGen C0950123, MeSH D030342.

Allele frequency attached by ClinVar (database versions not stated): gnomAD exomes below 0.00001; TOPMed below 0.00001; gnomAD 0.00001.
gnomAD v4.1: 5 of 1,598,362 alleles (0.00031%); highest among the groups gnomAD compares: Non-Finnish European, 0.00043%; no homozygotes.

Submissions (2):

CeGaT Center for Human Genetics Tuebingen
Classification: Uncertain significance. Last evaluated: 2022-03-01. Review status: criteria provided, single submitter. Criteria: CeGaT Center For Human Genetics Tuebingen Variant Classification Criteria Version 2. Collection method: clinical testing. Allele origin: germline. Affected: yes. Observed: 1 variant allele.
Comment: MEFV: PM2, BP4, BP5

Ambry Genetics
Classification: Uncertain significance for Inborn genetic diseases. Last evaluated: 2021-07-27. Review status: criteria provided, single submitter. Criteria: Ambry Variant Classification Scheme 2023. Collection method: clinical testing. Allele origin: germline.
Comment: The p.L617R variant (also known as c.1850T>G), located in coding exon 10 of the MEFV gene, results from a T to G substitution at nucleotide position 1850. The leucine at codon 617 is replaced by arginine, an amino acid with dissimilar properties. This amino acid position is conserved. In addition, in silico predictors for this gene do not accurately predict pathogenicity. Since supporting evidence is limited at this time, the clinical significance of this alteration remains unclear.

NM_000243.3(MEFV):c.1850T>G (p.Leu617Arg)

Genes: MEFV (MEFV innate immunity regulator, pyrin; minus strand), LOC126862264 (CDK7 strongly-dependent group 2 enhancer GRCh37_chr16:3293322-3294521; plus strand). Cytogenetic location: 16p13.3.
Variant type: single nucleotide variant.
Coding change: c.1850T>G on transcript NM_000243.3 (MANE Select); coding-DNA position 1850, T replaced by G.
Protein change: p.Leu617Arg; replaces leucine 617 with arginine.
Molecular consequence: missense variant. On other transcripts: 3 prime UTR variant (1).
Genome position (GRCh38, 1-based): chr16:3,243,637, A>C on the plus strand (T>G on the coding strand, the complement: MEFV is on the minus strand). VCF-style: chr16-3243637-A-C. GRCh37 (hg19) VCF-style: chr16-3293637-A-C.
Other names: c.*54T>G (NM_001198536.2); short protein forms L617R.
Identifiers: ClinVar variation 1781325 (VCV001781325.26), dbSNP rs1248511262, ClinGen allele CA394488237.